The following is an entry in ClinVar:

ClinVar aggregate classification (germline): Uncertain significance (1 of 4 stars; one submission).

Allele frequency attached by ClinVar (database versions not stated): gnomAD exomes below 0.00001; TOPMed below 0.00001; ExAC 0.00001; gnomAD 0.00001.
gnomAD v4.1: 7 of 1,614,060 alleles (0.00043%); highest among the groups gnomAD compares: African/African-American, 0.0013%; no homozygotes.

Submission:

Labcorp Genetics (formerly Invitae), Labcorp
Classification: Uncertain significance. Last evaluated: 2022-05-27. Review status: criteria provided, single submitter. Criteria: Invitae Variant Classification Sherloc (09022015). Collection method: clinical testing. Allele origin: germline.
Comment: This variant has not been reported in the literature in individuals affected with ERBB2-related conditions. In summary, the available evidence is currently insufficient to determine the role of this variant in disease. Therefore, it has been classified as a Variant of Uncertain Significance. Algorithms developed to predict the effect of missense changes on protein structure and function are either unavailable or do not agree on the potential impact of this missense change (SIFT: "Deleterious"; PolyPhen-2: "Possibly Damaging"; Align-GVGD: "Class C0"). This variant is present in population databases (rs758973569, gnomAD 0.006%). This sequence change replaces arginine, which is basic and polar, with cysteine, which is neutral and slightly polar, at codon 978 of the ERBB2 protein (p.Arg978Cys).

NM_004448.4(ERBB2):c.2932C>T (p.Arg978Cys)

Gene: ERBB2 (erb-b2 receptor tyrosine kinase 2; plus strand). Cytogenetic location: 17q12.
Variant type: single nucleotide variant.
Coding change: c.2932C>T on transcript NM_004448.4 (MANE Select); coding-DNA position 2932, C replaced by T.
Protein change: p.Arg978Cys; replaces arginine 978 with cysteine.
Molecular consequence: missense variant. On other transcripts: non-coding transcript variant (1), intron variant (1).
Genome position (GRCh38, 1-based): chr17:39,726,621, C>T. VCF-style: chr17-39726621-C-T. GRCh37 (hg19) VCF-style: chr17-37882874-C-T.
Other names: c.2842C>T, p.Arg948Cys (NM_001005862.3, NM_001382782.1, NM_001382783.1); c.2887C>T, p.Arg963Cys (NM_001289936.2); c.2932C>T, p.Arg978Cys (NM_001289937.2, NM_001382796.1); c.3049C>T, p.Arg1017Cys (NM_001382784.1); c.3034C>T, p.Arg1012Cys (NM_001382785.1); c.3013C>T, p.Arg1005Cys (NM_001382786.1); c.3007C>T, p.Arg1003Cys (NM_001382787.1); c.2962C>T, p.Arg988Cys (NM_001382788.1); and 15 more; short protein forms R1003C, R916C, R926C, R962C, R966C, R977C, R985C, R1005C.
Identifiers: ClinVar variation 1981614 (VCV001981614.4), dbSNP rs758973569, ClinGen allele CA8534423.